The following is an entry in ClinVar:

ClinVar aggregate classification (germline): Uncertain significance (1 of 4 stars; one submission).

Conditions:
Developmental and epileptic encephalopathy. Identifiers: MedGen C5779964, MONDO:0100620.

Allele frequency attached by ClinVar (database versions not stated): gnomAD exomes 0.00001.

Submission:

Labcorp Genetics (formerly Invitae), Labcorp
Classification: Uncertain significance for Early-infantile DEE. Last evaluated: 2020-10-25. Review status: criteria provided, single submitter. Criteria: Invitae Variant Classification Sherloc (09022015). Collection method: clinical testing. Allele origin: germline.
Comment: This sequence change replaces arginine with lysine at codon 188 of the CACNA2D2 protein (p.Arg188Lys). The arginine residue is moderately conserved and there is a small physicochemical difference between arginine and lysine. This variant is not present in population databases (ExAC no frequency). This variant has not been reported in the literature in individuals with CACNA2D2-related conditions. Algorithms developed to predict the effect of missense changes on protein structure and function output the following: SIFT: Tolerated; PolyPhen-2: Benign; Align-GVGD: Class C0. The lysine amino acid residue is found in multiple mammalian species, suggesting that this missense change does not adversely affect protein function. These predictions have not been confirmed by published functional studies and their clinical significance is uncertain. In summary, the available evidence is currently insufficient to determine the role of this variant in disease. Therefore, it has been classified as a Variant of Uncertain Significance.

NM_006030.4(CACNA2D2):c.563G>A (p.Arg188Lys)

Gene: CACNA2D2 (calcium voltage-gated channel auxiliary subunit alpha2delta 2; minus strand). Cytogenetic location: 3p21.31.
Variant type: single nucleotide variant.
Coding change: c.563G>A on transcript NM_006030.4 (MANE Select); coding-DNA position 563, G replaced by A.
Protein change: p.Arg188Lys; replaces arginine 188 with lysine.
Molecular consequence: missense variant.
Genome position (GRCh38, 1-based): chr3:50,384,285, C>T on the plus strand (G>A on the coding strand, the complement: CACNA2D2 is on the minus strand). VCF-style: chr3-50384285-C-T. GRCh37 (hg19) VCF-style: chr3-50421716-C-T.
Other names: c.563G>A, p.Arg188Lys (NM_001005505.3, NM_001174051.3); c.356G>A, p.Arg119Lys (NM_001291101.1); short protein forms R119K, R188K.
Identifiers: ClinVar variation 1020789 (VCV001020789.2), dbSNP rs1705477226, ClinGen allele CA352944548.